The following is an entry in ClinVar:

NM_006030.4(CACNA2D2):c.277C>T (p.Gln93Ter)

Gene: CACNA2D2 (calcium voltage-gated channel auxiliary subunit alpha2delta 2; minus strand). Cytogenetic location: 3p21.31.
Variant type: single nucleotide variant.
Coding change: c.277C>T on transcript NM_006030.4 (MANE Select); coding-DNA position 277, C replaced by T.
Protein change: p.Gln93Ter; replaces glutamine 93 with a stop codon.
Molecular consequence: nonsense.
Genome position (GRCh38, 1-based): chr3:50,476,129, G>A on the plus strand (C>T on the coding strand, the complement: CACNA2D2 is on the minus strand). VCF-style: chr3-50476129-G-A. GRCh37 (hg19) VCF-style: chr3-50513560-G-A.
Other names: c.277C>T, p.Gln93Ter (NM_001005505.3, NM_001174051.3, NM_001410768.1); c.70C>T, p.Gln24Ter (NM_001291101.1); short protein forms Q24*, Q93*.
Identifiers: ClinVar variation 2664906 (VCV002664906.1), dbSNP rs1307891196, ClinGen allele CA353002500.

ClinVar aggregate classification (germline): Likely pathogenic (1 of 4 stars; one submission).

Conditions:
Cerebellar atrophy with seizures and variable developmental delay. Identifiers: MedGen C5193132, MONDO:0032788, OMIM 618501.

Allele frequency attached by ClinVar (database versions not stated): gnomAD 0.00001.

Submission:

Neuberg Centre For Genomic Medicine, NCGM
Classification: Likely pathogenic for Cerebellar atrophy with seizures and variable developmental delay. Last evaluated: 2023-02-14. Review status: criteria provided, single submitter. Criteria: ACMG Guidelines, 2015. Collection method: clinical testing. Allele origin: germline. Inheritance: Autosomal recessive inheritance. Affected: yes.
Comment: The stop gain c.277C>T (p.Gln93Ter) variant in CACNA2D2 gene has not been reported previously as a pathogenic variant nor as a benign variant, to our knowledge. The c.277C>T variant is reported with an allele frequency of 0% (i.e. no high-confidence genotypes) in the gnomAD exomes database and is novel (not in any individuals) in 1000 Genomes database. This variant has not been reported to the ClinVar database. The nucleotide change c.277C>T in CACNA2D2 is predicted as conserved by GERP++ and PhyloP across 100 vertebrates. This variant is predicted to cause loss of normal protein function through protein truncation. Loss of function variants have been previously reported to be disease causing. For these reasons, this variant has been classified as Likely Pathogenic.